The following is an entry in ClinVar:

ClinVar aggregate classification (germline): Uncertain significance (1 of 4 stars; one submission).

Submission:

Labcorp Genetics (formerly Invitae), Labcorp
Classification: Uncertain significance. Last evaluated: 2021-10-08. Review status: criteria provided, single submitter. Criteria: Invitae Variant Classification Sherloc (09022015). Collection method: clinical testing. Allele origin: germline.
Comment: In summary, the available evidence is currently insufficient to determine the role of this variant in disease. Therefore, it has been classified as a Variant of Uncertain Significance. Advanced modeling of protein sequence and biophysical properties (such as structural, functional, and spatial information, amino acid conservation, physicochemical variation, residue mobility, and thermodynamic stability) performed at Invitae indicates that this missense variant is not expected to disrupt MTOR protein function. This sequence change replaces aspartic acid with glycine at codon 928 of the MTOR protein (p.Asp928Gly). The aspartic acid residue is highly conserved and there is a moderate physicochemical difference between aspartic acid and glycine. This variant is not present in population databases (ExAC no frequency). This variant has not been reported in the literature in individuals affected with MTOR-related conditions.

NM_004958.4(MTOR):c.2783A>G (p.Asp928Gly)

Gene: MTOR (mechanistic target of rapamycin kinase; minus strand). Cytogenetic location: 1p36.22.
Variant type: single nucleotide variant.
Coding change: c.2783A>G on transcript NM_004958.4 (MANE Select); coding-DNA position 2783, A replaced by G.
Protein change: p.Asp928Gly; replaces aspartic acid 928 with glycine.
Molecular consequence: missense variant.
Genome position (GRCh38, 1-based): chr1:11,228,915, T>C on the plus strand (A>G on the coding strand, the complement: MTOR is on the minus strand). VCF-style: chr1-11228915-T-C. GRCh37 (hg19) VCF-style: chr1-11288972-T-C.
Other names: c.2783A>G, p.Asp928Gly (NM_001386500.1); c.1535A>G, p.Asp512Gly (NM_001386501.1); short protein forms D928G, D512G.
Identifiers: ClinVar variation 1367839 (VCV001367839.6), dbSNP rs2100857021, ClinGen allele CA338379816.